The following is an entry in ClinVar:

NM_152327.5(AK7):c.1165A>G (p.Asn389Asp)

Gene: AK7 (adenylate kinase 7; plus strand). Cytogenetic location: 14q32.2.
Variant type: single nucleotide variant.
Coding change: c.1165A>G on transcript NM_152327.5 (MANE Select); coding-DNA position 1165, A replaced by G.
Protein change: p.Asn389Asp; replaces asparagine 389 with aspartic acid.
Molecular consequence: missense variant.
Genome position (GRCh38, 1-based): chr14:96,456,413, A>G. VCF-style: chr14-96456413-A-G. GRCh37 (hg19) VCF-style: chr14-96922750-A-G.
Other names: c.1165A>G, p.Asn389Asp (NM_001350888.2, NM_001350890.2, NM_001350892.2); c.1087A>G, p.Asn363Asp (NM_001350891.2); short protein forms N389D, N363D.
Identifiers: ClinVar variation 1363095 (VCV001363095.6), dbSNP rs1327120220, ClinGen allele CA390915666.

ClinVar aggregate classification (germline): Uncertain significance (1 of 4 stars; one submission).

Allele frequency attached by ClinVar (database versions not stated): gnomAD exomes below 0.00001.
gnomAD v4.1: 1 of 1,613,974 alleles (0.000062%); highest among the groups gnomAD compares: Admixed American, 0.0017%; no homozygotes.

Submission:

Labcorp Genetics (formerly Invitae), Labcorp
Classification: Uncertain significance. Last evaluated: 2022-07-19. Review status: criteria provided, single submitter. Criteria: Invitae Variant Classification Sherloc (09022015). Collection method: clinical testing. Allele origin: germline.
Comment: This variant has not been reported in the literature in individuals affected with AK7-related conditions. This variant is present in population databases (no rsID available, gnomAD 0.003%). This sequence change replaces asparagine, which is neutral and polar, with aspartic acid, which is acidic and polar, at codon 389 of the AK7 protein (p.Asn389Asp). ClinVar contains an entry for this variant (Variation ID: 1363095). In summary, the available evidence is currently insufficient to determine the role of this variant in disease. Therefore, it has been classified as a Variant of Uncertain Significance. Algorithms developed to predict the effect of missense changes on protein structure and function are either unavailable or do not agree on the potential impact of this missense change (SIFT: "Deleterious"; PolyPhen-2: "Benign"; Align-GVGD: "Class C0").